The following is an entry in ClinVar:

NM_000492.4(CFTR):c.2412A>C (p.Glu804Asp)

Gene: CFTR (CF transmembrane conductance regulator; plus strand). Cytogenetic location: 7q31.2.
Variant type: single nucleotide variant.
Coding change: c.2412A>C on transcript NM_000492.4 (MANE Select); coding-DNA position 2412, A replaced by C.
Protein change: p.Glu804Asp; replaces glutamic acid 804 with aspartic acid.
Molecular consequence: missense variant.
Genome position (GRCh38, 1-based): chr7:117,592,579, A>C. VCF-style: chr7-117592579-A-C. GRCh37 (hg19) VCF-style: chr7-117232633-A-C.
Other names: short protein forms E804D.
Identifiers: ClinVar variation 4001878 (VCV004001878.1).

ClinVar aggregate classification (germline): Uncertain significance (1 of 4 stars; one submission).

Conditions:
Cystic fibrosis (CF). Also called: MUCOVISCIDOSIS. Identifiers: Orphanet 586, MedGen C0010674, MONDO:0009061, OMIM 219700. Disease mechanism: loss of function.

Submission:

Ambry Genetics
Classification: Uncertain significance for Cystic fibrosis. Last evaluated: 2025-05-25. Review status: criteria provided, single submitter. Criteria: Ambry Variant Classification Scheme 2023. Collection method: clinical testing. Allele origin: germline.
Comment: The p.E804D variant (also known as c.2412A>C), located in coding exon 14 of the CFTR gene, results from an A to C substitution at nucleotide position 2412. The glutamic acid at codon 804 is replaced by aspartic acid, an amino acid with highly similar properties. This amino acid position is conserved. In addition, this alteration is predicted to be deleterious by in silico analysis. Based on the available evidence, the clinical significance of this variant remains unclear.